The following is an entry in ClinVar:

NM_000194.3(HPRT1):c.200_201dup (p.Leu68fs)

Gene: HPRT1 (hypoxanthine phosphoribosyltransferase 1; plus strand). Cytogenetic location: Xq26.2.
Variant type: Microsatellite.
Coding change: c.200_201dup on transcript NM_000194.3 (MANE Select); coding-DNA positions 200 to 201, 2 bases duplicated (TG; older notation c.200_201dupTG).
Protein change: p.Leu68fs; shifts the reading frame from leucine 68.
Molecular consequence: frameshift variant.
Genome position (GRCh38, 1-based): chrX:134,475,246-134,475,247, TG duplicated; duplicating any 2 consecutive bases within chrX:134,475,242-134,475,247 gives the same sequence; the c. name uses the placement nearest the transcript's 3' end. VCF-style (leftmost placement, unchanged base first): chrX-134475241-C-CTG. GRCh37 (hg19) VCF-style: chrX-133609271-C-CTG.
Other names: short protein forms L68fs.
Identifiers: ClinVar variation 2942150 (VCV002942150.3), dbSNP rs2520785330, ClinGen allele CA2740092276.

ClinVar aggregate classification (germline): Pathogenic (1 of 4 stars; one submission).

Conditions:
Partial hypoxanthine-guanine phosphoribosyltransferase deficiency. Also called: GOUT, HPRT-RELATED; HPRT DEFICIENCY, PARTIAL; HYPOXANTHINE GUANINE PHOSPHORIBOSYLTRANSFERASE 1 DEFICIENCY, PARTIAL; Kelley-Seegmiller Syndrome; HPRT1 DEFICIENCY, PARTIAL. Identifiers: Orphanet 79233, MedGen C0268117, MONDO:0010299, OMIM 300323.
Lesch-Nyhan syndrome (LNS). Also called: HPRT DEFICIENCY, COMPLETE; Lesch-Nyhan Disease (LND). Identifiers: Orphanet 510, MedGen C0023374, MONDO:0010298, OMIM 300322.

Submission:

Labcorp Genetics (formerly Invitae), Labcorp
Classification: Pathogenic for Lesch-Nyhan syndrome; Partial hypoxanthine-guanine phosphoribosyltransferase deficiency. Last evaluated: 2022-12-08. Review status: criteria provided, single submitter. Criteria: Invitae Variant Classification Sherloc (09022015). Collection method: clinical testing. Allele origin: germline.
Comment: For these reasons, this variant has been classified as Pathogenic. This variant has not been reported in the literature in individuals affected with HPRT1-related conditions. This variant is not present in population databases (gnomAD no frequency). This sequence change creates a premature translational stop signal (p.Leu68Cysfs*19) in the HPRT1 gene. It is expected to result in an absent or disrupted protein product. Loss-of-function variants in HPRT1 are known to be pathogenic (PMID: 15571220, 17027311, 22157001).

Literature cited by the submitters: PubMed 15571220; PubMed 17027311; PubMed 22157001.